The following is an entry in ClinVar:

ClinVar aggregate classification (germline): Uncertain significance (1 of 4 stars; one submission).

Conditions:
Saethre-Chotzen syndrome (SCS). Also called: ACROCEPHALY, SKULL ASYMMETRY, AND MILD SYNDACTYLY; ACS III; CHOTZEN SYNDROME. Identifiers: Orphanet 794, MedGen C0175699, MONDO:0007042, OMIM 101400.
TWIST1-related craniosynostosis (CRS1). Also called: CRANIOSYNOSTOSIS 1. Identifiers: Orphanet 63440, MedGen C4551902, MONDO:0007399, OMIM 123100. Inheritance: Heterogenous inheritance pattern.

gnomAD v4.1: 4 of 1,106,776 alleles (0.00036%); highest among the groups gnomAD compares: Non-Finnish European, 0.00044%; no homozygotes.

Submission:

Labcorp Genetics (formerly Invitae), Labcorp
Classification: Uncertain significance for TWIST1-related craniosynostosis; Saethre-Chotzen syndrome. Last evaluated: 2024-09-17. Review status: criteria provided, single submitter. Criteria: Invitae Variant Classification Sherloc (09022015). Collection method: clinical testing. Allele origin: germline.
Comment: This sequence change replaces glycine, which is neutral and non-polar, with arginine, which is basic and polar, at codon 51 of the TWIST1 protein (p.Gly51Arg). This variant is not present in population databases (gnomAD no frequency). This variant has not been reported in the literature in individuals affected with TWIST1-related conditions. Experimental studies and prediction algorithms are not available or were not evaluated, and the functional significance of this variant is currently unknown. In summary, the available evidence is currently insufficient to determine the role of this variant in disease. Therefore, it has been classified as a Variant of Uncertain Significance.

NM_000474.4(TWIST1):c.151G>A (p.Gly51Arg)

Gene: TWIST1 (twist family bHLH transcription factor 1; minus strand). Cytogenetic location: 7p21.1.
Variant type: single nucleotide variant.
Coding change: c.151G>A on transcript NM_000474.4 (MANE Select); coding-DNA position 151, G replaced by A.
Protein change: p.Gly51Arg; replaces glycine 51 with arginine.
Molecular consequence: missense variant. On other transcripts: non-coding transcript variant (1).
Genome position (GRCh38, 1-based): chr7:19,117,171, C>T on the plus strand (G>A on the coding strand, the complement: TWIST1 is on the minus strand). VCF-style: chr7-19117171-C-T. GRCh37 (hg19) VCF-style: chr7-19156794-C-T.
Other names: short protein forms G51R.
Identifiers: ClinVar variation 3749339 (VCV003749339.2).
Genomic context (GRCh38, chr7:19,117,171, plus strand): 5'-GGGCCGGGCTGCCCGGCTCGTCGCCGCCTCCGACGCCCCCACCCGCGGCTCCGCCGGGCC[C>T]CGCGCCGCCGCCCGCGCTGCGCCTGCTGCTGCGCCGCTTGCGTCCCCCGCGCTTGCCGCT-3'
Protein context (NP_000465.1, residues 41-61): SSRRSAGGGA[Gly51Arg]PGGAAGGGVG